The following is an entry in ClinVar:

NM_177438.3(DICER1):c.3334A>G (p.Asn1112Asp)

Gene: DICER1 (dicer 1, ribonuclease III; minus strand). Cytogenetic location: 14q32.13.
Variant type: single nucleotide variant.
Coding change: c.3334A>G on transcript NM_177438.3 (MANE Select); coding-DNA position 3334, A replaced by G.
Protein change: p.Asn1112Asp; replaces asparagine 1112 with aspartic acid.
Molecular consequence: missense variant.
Genome position (GRCh38, 1-based): chr14:95,104,062, T>C on the plus strand (A>G on the coding strand, the complement: DICER1 is on the minus strand). VCF-style: chr14-95104062-T-C. GRCh37 (hg19) VCF-style: chr14-95570399-T-C.
Other names: c.3334A>G, p.Asn1112Asp (NM_001195573.1, NM_001271282.3, NM_001291628.2 and 1 more transcripts); short protein forms N1112D.
Identifiers: ClinVar variation 133969 (VCV000133969.25), dbSNP rs587778229, ClinGen allele CA158270.

ClinVar aggregate classification (germline): Conflicting classifications of pathogenicity. Review status: criteria provided, conflicting classifications (1 of 4 stars). 6 submissions from 6 submitters: Uncertain significance (1); Likely benign (4). 1 of the submissions does not count toward it. Last evaluated 2026-01-31.

Conditions:
DICER1-related tumor predisposition. Also called: DICER1-related pleuropulmonary blastoma cancer predisposition syndrome; DICER1 syndrome. Identifiers: Orphanet 284343, MedGen C3839822, MONDO:0100216.
Hereditary cancer-predisposing syndrome. Also called: Neoplastic Syndromes, Hereditary; Hereditary Cancer Syndrome; Tumor predisposition; Hereditary neoplastic syndrome. Identifiers: Orphanet 140162, MedGen C0027672, MeSH D009386, MONDO:0015356.

Allele frequency attached by ClinVar (database versions not stated): gnomAD exomes 0.00007 and 0.00006; gnomAD 0.00003 and 0.00002; ExAC 0.00011; TOPMed 0.00005.
gnomAD v4.1: 90 of 1,614,090 alleles (0.0056%); highest among the groups gnomAD compares: East Asian, 0.2%; no homozygotes.

Submissions (6):

Labcorp Genetics (formerly Invitae), Labcorp
Classification: Likely benign for DICER1-related tumor predisposition. Last evaluated: 2026-01-31. Review status: criteria provided, single submitter. Criteria: Invitae Variant Classification Sherloc (09022015). Collection method: clinical testing. Allele origin: germline.

GeneDx
Classification: Uncertain significance. Last evaluated: 2023-12-01. Review status: criteria provided, single submitter. Criteria: GeneDx Variant Classification Process June 2021. Collection method: clinical testing. Allele origin: germline.
Comment: In silico analysis supports that this missense variant does not alter protein structure/function; This variant is associated with the following publications: (PMID: 30093976, 26241669, 29762508, 24728327, Li2022[abstract])

Ambry Genetics
Classification: Likely benign for Hereditary cancer-predisposing syndrome. Last evaluated: 2023-03-21. Review status: criteria provided, single submitter. Criteria: Ambry Variant Classification Scheme 2023. Collection method: clinical testing. Allele origin: germline.

Foulkes Cancer Genetics LDI, Lady Davis Institute for Medical Research
Classification: Likely benign. Last evaluated: 2019-07-01. Review status: criteria provided, single submitter. Criteria: ACMG Guidelines, 2015. Collection method: curation. Allele origin: germline. Affected: yes. Observed: 2 variant alleles.
Comment: ACMG criteria met: BS1, BP1, BP4

Illumina Laboratory Services, Illumina
Classification: Likely benign for Pleuropulmonary blastoma. Last evaluated: 2017-04-27. Review status: criteria provided, single submitter. Criteria: ICSL Variant Classification Criteria 13 December 2019. Collection method: clinical testing. Allele origin: germline.
Comment: This variant was observed as part of a predisposition screen in an ostensibly healthy population. A literature search was performed for the gene, cDNA change, and amino acid change (where applicable). No publications were found based on this search. Allele frequency data from public databases allowed determination this variant is unlikely to cause disease. Therefore, this variant is classified as likely benign.

ITMI
No classification provided. Condition: AllHighlyPenetrant. Last evaluated: 2013-09-19. Review status: no classification provided. Collection method: reference population. Allele origin: germline. Not counted in ClinVar's aggregate classification.
Comment: Please see associated publication for description of ethnicities

Literature cited by the submitters: PubMed 24728327 (cited by Ambry Genetics and ITMI); PubMed 26241669 (cited by Ambry Genetics and Foulkes Cancer Genetics LDI, Lady Davis Institute for Medical Research); PubMed 29762508 (cited by Ambry Genetics); PubMed 30093976 (cited by Ambry Genetics).